The following is an entry in ClinVar:

ClinVar aggregate classification (germline): Likely benign. Review status: criteria provided, multiple submitters, no conflicts (2 of 4 stars). 2 submissions from 2 submitters: Likely benign (2). Last evaluated 2024-09-02.

Allele frequency attached by ClinVar (database versions not stated): 1000 Genomes Project 0.00200.

Submissions (2):

Blueprint Genetics
Classification: Likely benign. Last evaluated: 2024-09-02. Review status: criteria provided, single submitter. Criteria: ACMG Guidelines, 2015. Collection method: clinical testing. Allele origin: germline.

CeGaT Center for Human Genetics Tuebingen
Classification: Likely benign. Last evaluated: 2023-02-01. Review status: criteria provided, single submitter. Criteria: CeGaT Center For Human Genetics Tuebingen Variant Classification Criteria Version 2. Collection method: clinical testing. Allele origin: germline. Affected: yes. Observed: 1 variant allele.
Comment: MUC1: BP4, BP7

NM_002456.6(MUC1):c.159+219A>G

Gene: MUC1 (mucin 1, cell surface associated; minus strand). Cytogenetic location: 1q22.
Variant type: single nucleotide variant.
Coding change: c.159+219A>G on transcript NM_002456.6; 219 bases into the intron after coding-DNA position 159, A replaced by G.
Molecular consequence: intron variant. On other transcripts: synonymous variant (3).
Genome position (GRCh38, 1-based): chr1:155,191,964, T>C on the plus strand (A>G on the coding strand, the complement: MUC1 is on the minus strand). VCF-style: chr1-155191964-T-C. GRCh37 (hg19) VCF-style: chr1-155161755-T-C.
Other names: c.405A>G, p.Pro135= (NM_001371720.2, NM_001204286.1); c.186+219A>G (NM_001204291.1, NM_001204292.1, NM_001204295.1 and 7 more transcripts); c.123+219A>G (NM_001204290.2); c.159+219A>G (NM_001204294.2, NM_001044393.3, NM_001044390.3 and 3 more transcripts); c.378A>G, p.Pro126= (NM_001204285.2).
Identifiers: ClinVar variation 2639394 (VCV002639394.25), dbSNP rs548526898, ClinGen allele CA889676822.